The following is an entry in ClinVar:

NM_001134831.2(AHI1):c.3053A>C (p.Gln1018Pro)

Gene: AHI1 (Abelson helper integration site 1; minus strand). Cytogenetic location: 6q23.3.
Variant type: single nucleotide variant.
Coding change: c.3053A>C on transcript NM_001134831.2 (MANE Select); coding-DNA position 3053, A replaced by C.
Protein change: p.Gln1018Pro; replaces glutamine 1018 with proline.
Molecular consequence: missense variant.
Genome position (GRCh38, 1-based): chr6:135,394,832, T>G on the plus strand (A>C on the coding strand, the complement: AHI1 is on the minus strand). VCF-style: chr6-135394832-T-G. GRCh37 (hg19) VCF-style: chr6-135715970-T-G.
Other names: c.3053A>C, p.Gln1018Pro (NM_001134830.2, NM_001134832.2, NM_001350503.2 and 2 more transcripts); short protein forms Q1018P.
Identifiers: ClinVar variation 128327 (VCV000128327.28), dbSNP rs6940875, ClinGen allele CA151709.

ClinVar aggregate classification (germline): Benign/Likely benign. Review status: criteria provided, multiple submitters, no conflicts (2 of 4 stars). 9 submissions from 9 submitters: Benign (5); Likely benign (3). 1 of the submissions does not count toward it. Last evaluated 2026-02-04.

Conditions:
Joubert syndrome 3 (JBTS3). Also called: AHI1-related Ciliopathy. Identifiers: Orphanet 220493, MedGen C1837713, MONDO:0012078, OMIM 608629.
Joubert syndrome. Also called: Familial aplasia of the vermis; JOUBERT-BOLTSHAUSER SYNDROME. Identifiers: Orphanet 475, MedGen C5979921, MONDO:0018772.

Allele frequency attached by ClinVar (database versions not stated): gnomAD exomes 0.00165 and 0.00405; ExAC 0.00691; gnomAD 0.01587 and 0.01691; TOPMed 0.01733; 1000 Genomes Project 0.01757; 1000 Genomes Project 30x 0.01999; ESP Exome Variant Server 0.02061.

Submissions (9):

Labcorp Genetics (formerly Invitae), Labcorp
Classification: Benign for Joubert syndrome. Last evaluated: 2026-02-04. Review status: criteria provided, single submitter. Criteria: Invitae Variant Classification Sherloc (09022015). Collection method: clinical testing. Allele origin: germline.

Mayo Clinic Laboratories, Mayo Clinic
Classification: Benign. Last evaluated: 2024-12-05. Review status: criteria provided, single submitter. Criteria: ACMG Guidelines, 2015. Collection method: clinical testing. Allele origin: germline. Observed: 1 variant allele.

Blueprint Genetics
Classification: Likely benign. Last evaluated: 2024-11-26. Review status: criteria provided, single submitter. Criteria: ACMG Guidelines, 2015. Collection method: clinical testing. Allele origin: germline.

Illumina Laboratory Services, Illumina
Classification: Benign for Joubert syndrome 3. Last evaluated: 2018-01-13. Review status: criteria provided, single submitter. Criteria: ICSL Variant Classification Criteria 13 December 2019. Collection method: clinical testing. Allele origin: germline.
Comment: This variant was observed in the ICSL laboratory as part of a predisposition screen in an ostensibly healthy population. It had not been previously curated by ICSL or reported in the Human Gene Mutation Database (HGMD: prior to June 1st, 2018), and was therefore a candidate for classification through an automated scoring system. Utilizing variant allele frequency, disease prevalence and penetrance estimates, and inheritance mode, an automated score was calculated to assess if this variant is too frequent to cause the disease. Based on the score and internal cut-off values, a variant classified as benign is not then subjected to further curation. The score for this variant resulted in a classification of benign for this disease.

Center for Pediatric Genomic Medicine, Children's Mercy Hospital and Clinics
Classification: Likely benign. Last evaluated: 2015-08-19. Review status: criteria provided, single submitter. Criteria: ACMG Guidelines, 2015. Collection method: clinical testing. Allele origin: germline.
ClinVar note: Converted during submission from Likely Benign to Likely benign.

GeneDx
Classification: Benign. Last evaluated: 2015-08-07. Review status: criteria provided, single submitter. Criteria: GeneDx Variant Classification (06012015). Collection method: clinical testing. Allele origin: germline. Affected: yes.
Comment: This variant is considered likely benign or benign based on one or more of the following criteria: it is a conservative change, it occurs at a poorly conserved position in the protein, it is predicted to be benign by multiple in silico algorithms, and/or has population frequency not consistent with disease.

Breakthrough Genomics
Classification: Likely benign. Review status: criteria provided, single submitter. Criteria: ACMG Guidelines, 2015. Collection method: not provided. Allele origin: germline. Inheritance: Autosomal recessive inheritance. Affected: yes.

PreventionGenetics, part of Exact Sciences
Classification: Benign. Review status: criteria provided, single submitter. Criteria: ACMG Guidelines, 2015. Collection method: clinical testing. Allele origin: germline.

Genetic Services Laboratory, University of Chicago
Classification: Likely benign for AllHighlyPenetrant. Review status: no assertion criteria provided. Collection method: clinical testing. Allele origin: germline. Inheritance: Autosomal recessive inheritance. Not counted in ClinVar's aggregate classification.
Comment: Likely benign based on allele frequency in 1000 Genomes Project or ESP global frequency and its presence in a patient with a rare or unrelated disease phenotype. NOT Sanger confirmed.